The following is an entry in ClinVar:

ClinVar aggregate classification (germline): Uncertain significance (1 of 4 stars; one submission).

Allele frequency attached by ClinVar (database versions not stated): gnomAD exomes below 0.00001; ExAC 0.00001; gnomAD 0.00001; 1000 Genomes Project 30x 0.00016; 1000 Genomes Project 0.00020.
gnomAD v4.1: 6 of 1,613,958 alleles (0.00037%); highest among the groups gnomAD compares: African/African-American, 0.0013%; no homozygotes.

Submission:

Labcorp Genetics (formerly Invitae), Labcorp
Classification: Uncertain significance. Last evaluated: 2023-01-24. Review status: criteria provided, single submitter. Criteria: Invitae Variant Classification Sherloc (09022015). Collection method: clinical testing. Allele origin: germline.
Comment: This sequence change replaces glutamic acid, which is acidic and polar, with lysine, which is basic and polar, at codon 1045 of the CTR9 protein (p.Glu1045Lys). This variant is present in population databases (rs528222647, gnomAD 0.007%). This variant has not been reported in the literature in individuals affected with CTR9-related conditions. Algorithms developed to predict the effect of missense changes on protein structure and function (SIFT, PolyPhen-2, Align-GVGD) all suggest that this variant is likely to be tolerated. In summary, the available evidence is currently insufficient to determine the role of this variant in disease. Therefore, it has been classified as a Variant of Uncertain Significance.

NM_014633.5(CTR9):c.3133G>A (p.Glu1045Lys)

Gene: CTR9 (CTR9 component of Paf1/RNA polymerase II complex; plus strand). Cytogenetic location: 11p15.4.
Variant type: single nucleotide variant.
Coding change: c.3133G>A on transcript NM_014633.5 (MANE Select); coding-DNA position 3133, G replaced by A.
Protein change: p.Glu1045Lys; replaces glutamic acid 1045 with lysine.
Molecular consequence: missense variant.
Genome position (GRCh38, 1-based): chr11:10,778,716, G>A. VCF-style: chr11-10778716-G-A. GRCh37 (hg19) VCF-style: chr11-10800263-G-A.
Other names: c.3061G>A, p.Glu1021Lys (NM_001346279.2); short protein forms E1021K, E1045K.
Identifiers: ClinVar variation 2886167 (VCV002886167.3), dbSNP rs528222647, ClinGen allele CA5885522.
Genomic context (GRCh38, chr11:10,778,716, plus strand): 5'-TAACCAATGATCATCTTTGCCAGACATCCCAGGAACAGCAACAGCAACAGTGACTCAGAC[G>A]AGGACGAACAACGAAAGAAATGTGCCTCATCAGAGAGTGATTCCGATGAGAACCAGAACA-3'
Protein context (NP_055448.1, residues 1035-1055): RNSNSNSDSD[Glu1045Lys]DEQRKKCASS